The following is an entry in ClinVar:

NM_015021.3(ZNF292):c.6254A>G (p.His2085Arg)

Gene: ZNF292 (zinc finger protein 292; plus strand). Cytogenetic location: 6q14.3.
Variant type: single nucleotide variant.
Coding change: c.6254A>G on transcript NM_015021.3 (MANE Select); coding-DNA position 6254, A replaced by G.
Protein change: p.His2085Arg; replaces histidine 2085 with arginine.
Molecular consequence: missense variant.
Genome position (GRCh38, 1-based): chr6:87,259,883, A>G. VCF-style: chr6-87259883-A-G. GRCh37 (hg19) VCF-style: chr6-87969601-A-G.
Other names: c.5834A>G, p.His1945Arg (NM_001351444.2); short protein forms H1945R, H2085R.
Identifiers: ClinVar variation 1315657 (VCV001315657.2), dbSNP rs1397964000, ClinGen allele CA364937162.
Genomic context (GRCh38, chr6:87,259,883, plus strand): 5'-AACAATGTAATACAAATGCACTCACAAACACACAAACCAAAGGACGGAAGATTAGGAGGC[A>G]TAAAAAAGAAAAGGAGGAGAAAAAACGAAAGAAGCCAGTTTCCCAATCCCTTGAGTTTCC-3'
Protein context (NP_055836.1, residues 2075-2095): TQTKGRKIRR[His2085Arg]KKEKEEKKRK

ClinVar aggregate classification (germline): Uncertain significance (1 of 4 stars; one submission).

gnomAD v4.1: 2 of 1,613,560 alleles (0.00012%); highest among the groups gnomAD compares: Non-Finnish European, 0.00017%; no homozygotes.

Submission:

GeneDx
Classification: Uncertain significance. Last evaluated: 2021-03-08. Review status: criteria provided, single submitter. Criteria: GeneDx Variant Classification Process June 2021. Collection method: clinical testing. Allele origin: germline. Affected: yes.
Comment: Not observed in large population cohorts (Lek et al., 2016); In silico analysis supports that this missense variant does not alter protein structure/function; Has not been previously published as pathogenic or benign to our knowledge